The following is an entry in ClinVar:

NM_000059.4(BRCA2):c.7241_7242insTA (p.His2415fs)

Gene: BRCA2 (BRCA2 DNA repair associated; plus strand). Cytogenetic location: 13q13.1.
Variant type: Insertion.
Coding change: c.7241_7242insTA on transcript NM_000059.4 (MANE Select); coding-DNA positions 7241 to 7242, TA inserted.
Protein change: p.His2415fs; shifts the reading frame from histidine 2415.
Molecular consequence: frameshift variant.
Genome position: GRCh38 VCF-style: chr13-32355094-C-CTA. GRCh37 (hg19) VCF-style: chr13-32929231-C-CTA.
Other names: short protein forms H2415fs.
Identifiers: ClinVar variation 2891226 (VCV002891226.3), dbSNP rs2548540343, ClinGen allele CA2739277509.

ClinVar aggregate classification (germline): Pathogenic (1 of 4 stars; one submission).

Conditions:
Hereditary breast ovarian cancer syndrome. Also called: Breast and ovarian cancer; Hereditary breast and ovarian cancer; Hereditary breast and ovarian cancer syndrome (HBOC); Hereditary breast and/or ovarian cancer syndrome; Hereditary breast and ovarian cancer syndrome; BRCA1- and BRCA2-Associated Hereditary Breast and Ovarian Cancer. Identifiers: Orphanet 145, MedGen C0677776, MeSH D061325, MONDO:0003582. Disease mechanism: loss of function.

Submission:

Labcorp Genetics (formerly Invitae), Labcorp
Classification: Pathogenic for Hereditary breast ovarian cancer syndrome. Last evaluated: 2024-04-08. Review status: criteria provided, single submitter. Criteria: Invitae Variant Classification Sherloc (09022015). Collection method: clinical testing. Allele origin: germline.
Comment: This sequence change creates a premature translational stop signal (p.His2415Asnfs*55) in the BRCA2 gene. It is expected to result in an absent or disrupted protein product. Loss-of-function variants in BRCA2 are known to be pathogenic (PMID: 20104584). This variant is not present in population databases (gnomAD no frequency). This variant has not been reported in the literature in individuals affected with BRCA2-related conditions. For these reasons, this variant has been classified as Pathogenic.

Literature cited by the submitters: PubMed 20104584.